The following is an entry in ClinVar:

NM_020964.3(EPG5):c.4112G>A (p.Arg1371His)

Gene: EPG5 (ectopic P-granules 5 autophagy tethering factor; minus strand). Cytogenetic location: 18q21.1.
Variant type: single nucleotide variant.
Coding change: c.4112G>A on transcript NM_020964.3 (MANE Select); coding-DNA position 4112, G replaced by A.
Protein change: p.Arg1371His; replaces arginine 1371 with histidine.
Molecular consequence: missense variant.
Genome position (GRCh38, 1-based): chr18:45,910,614, C>T on the plus strand (G>A on the coding strand, the complement: EPG5 is on the minus strand). VCF-style: chr18-45910614-C-T. GRCh37 (hg19) VCF-style: chr18-43490579-C-T.
Other names: c.4112G>A (NM_020964.2); short protein forms R1371H.
Identifiers: ClinVar variation 1392863 (VCV001392863.7), dbSNP rs748634612, ClinGen allele CA402340049.
Genomic context (GRCh38, chr18:45,910,614, plus strand): 5'-AGGTAACCAGGGGTGCCAGAGTGGCTCTCTGGCAGCCCTTCACTGCCCTCTGCTGGAACA[C>T]GGAGGGCCTTGCTTGCAGCATGGTGGAAGTCAGCCACCTCGGTCAAACGTCTCTTCATTT-3'
Protein context (NP_066015.2, residues 1361-1381): DFHHAASKAL[Arg1371His]VPAEGSEGLP

ClinVar aggregate classification (germline): Uncertain significance. Review status: criteria provided, multiple submitters, no conflicts (2 of 4 stars). 2 submissions from 2 submitters: Uncertain significance (2). Last evaluated 2023-05-16.

Conditions:
Inborn genetic diseases. Identifiers: MedGen C0950123, MeSH D030342.
Vici syndrome (VICIS). Identifiers: Orphanet 1493, MedGen C1855772, MONDO:0009452, OMIM 242840.

Allele frequency attached by ClinVar (database versions not stated): TOPMed 0.00001.
gnomAD v4.1: 5 of 1,614,048 alleles (0.00031%); highest among the groups gnomAD compares: South Asian, 0.0011%; no homozygotes.

Submissions (2):

Ambry Genetics
Classification: Uncertain significance for Inborn genetic diseases. Last evaluated: 2023-05-16. Review status: criteria provided, single submitter. Criteria: Ambry Variant Classification Scheme 2023. Collection method: clinical testing. Allele origin: germline.

Labcorp Genetics (formerly Invitae), Labcorp
Classification: Uncertain significance for Vici syndrome. Last evaluated: 2022-05-27. Review status: criteria provided, single submitter. Criteria: Invitae Variant Classification Sherloc (09022015). Collection method: clinical testing. Allele origin: germline.
Comment: This sequence change replaces arginine, which is basic and polar, with histidine, which is basic and polar, at codon 1371 of the EPG5 protein (p.Arg1371His). This variant is present in population databases (no rsID available, gnomAD 0.003%). This variant has not been reported in the literature in individuals affected with EPG5-related conditions. Algorithms developed to predict the effect of missense changes on protein structure and function are either unavailable or do not agree on the potential impact of this missense change (SIFT: "Deleterious"; PolyPhen-2: "Probably Damaging"; Align-GVGD: "Class C0"). In summary, the available evidence is currently insufficient to determine the role of this variant in disease. Therefore, it has been classified as a Variant of Uncertain Significance.